The following is an entry in ClinVar:

NM_001358921.2(COQ2):c.663G>A (p.Trp221Ter)

Gene: COQ2 (coenzyme Q2, polyprenyltransferase; minus strand). Cytogenetic location: 4q21.23.
Variant type: single nucleotide variant.
Coding change: c.663G>A on transcript NM_001358921.2 (MANE Select); coding-DNA position 663, G replaced by A.
Protein change: p.Trp221Ter; replaces tryptophan 221 with a stop codon.
Molecular consequence: nonsense.
Genome position (GRCh38, 1-based): chr4:83,269,959, C>T on the plus strand (G>A on the coding strand, the complement: COQ2 is on the minus strand). VCF-style: chr4-83269959-C-T. GRCh37 (hg19) VCF-style: chr4-84191112-C-T.
Other names: c.813G>A, p.Trp271Ter (NM_015697.9); short protein forms W271*, W221*.
Identifiers: ClinVar variation 1031932 (VCV001031932.1), dbSNP rs1735008495, ClinGen allele CA357229831.

ClinVar aggregate classification (germline): Pathogenic (1 of 4 stars; one submission).

Conditions:
Multiple system atrophy (MSA). Also called: Shy-Drager syndrome. Identifiers: Orphanet 102, MedGen C0393571, MONDO:0007803.

Submission:

Baylor Genetics
Classification: Pathogenic for Multiple system atrophy 1, susceptibility to. Last evaluated: 2018-05-19. Review status: criteria provided, single submitter. Criteria: ACMG Guidelines, 2015. Collection method: clinical testing. Allele origin: paternal. Affected: yes.
Comment: This variant was determined to be pathogenic according to ACMG Guidelines, 2015 [PMID:25741868].